The following is an entry in ClinVar:

ClinVar aggregate classification (germline): Uncertain significance (1 of 4 stars; one submission).

Conditions:
Congenital myasthenic syndrome 8. Also called: MYASTHENIC SYNDROME, CONGENITAL, DUE TO AGRIN DEFICIENCY; Myasthenic syndrome, congenital, 8, with pre- and postsynaptic defects. Identifiers: Orphanet 590, MedGen C3808739, MONDO:0014052, OMIM 615120.

Allele frequency attached by ClinVar (database versions not stated): gnomAD exomes below 0.00001; ExAC 0.00001.
gnomAD v4.1: 4 of 1,612,242 alleles (0.00025%); highest among the groups gnomAD compares: Non-Finnish European, 0.00034%; no homozygotes.

Submission:

Labcorp Genetics (formerly Invitae), Labcorp
Classification: Uncertain significance for Congenital myasthenic syndrome 8. Last evaluated: 2022-08-23. Review status: criteria provided, single submitter. Criteria: Invitae Variant Classification Sherloc (09022015). Collection method: clinical testing. Allele origin: germline.
Comment: Algorithms developed to predict the effect of sequence changes on RNA splicing suggest that this variant may create or strengthen a splice site. This sequence change replaces arginine, which is basic and polar, with glutamine, which is neutral and polar, at codon 144 of the AGRN protein (p.Arg144Gln). This variant is present in population databases (rs760143672, gnomAD 0.0009%). This variant has not been reported in the literature in individuals affected with AGRN-related conditions. ClinVar contains an entry for this variant (Variation ID: 1523274). Algorithms developed to predict the effect of missense changes on protein structure and function are either unavailable or do not agree on the potential impact of this missense change (SIFT: "Deleterious"; PolyPhen-2: "Benign"; Align-GVGD: "Class C0"). In summary, the available evidence is currently insufficient to determine the role of this variant in disease. Therefore, it has been classified as a Variant of Uncertain Significance.

NM_198576.4(AGRN):c.431G>A (p.Arg144Gln)

Genes: AGRN (agrin; plus strand), LOC126805576 (P300/CBP strongly-dependent group 1 enhancer GRCh37_chr1:956772-957971; plus strand). Cytogenetic location: 1p36.33.
Variant type: single nucleotide variant.
Coding change: c.431G>A on transcript NM_198576.4 (MANE Select); coding-DNA position 431, G replaced by A.
Protein change: p.Arg144Gln; replaces arginine 144 with glutamine.
Molecular consequence: missense variant.
Genome position (GRCh38, 1-based): chr1:1,022,430, G>A. VCF-style: chr1-1022430-G-A. GRCh37 (hg19) VCF-style: chr1-957810-G-A.
Other names: c.431G>A, p.Arg144Gln (NM_001305275.2); short protein forms R144Q.
Identifiers: ClinVar variation 1523274 (VCV001523274.8), dbSNP rs760143672, ClinGen allele CA507821.